The following is an entry in ClinVar:

NM_001101362.3(KBTBD13):c.1048C>A (p.Arg350Ser)

Gene: KBTBD13 (kelch repeat and BTB domain containing 13; plus strand). Cytogenetic location: 15q22.31.
Variant type: single nucleotide variant.
Coding change: c.1048C>A on transcript NM_001101362.3 (MANE Select); coding-DNA position 1048, C replaced by A.
Protein change: p.Arg350Ser; replaces arginine 350 with serine.
Molecular consequence: missense variant.
Genome position (GRCh38, 1-based): chr15:65,077,863, C>A. VCF-style: chr15-65077863-C-A. GRCh37 (hg19) VCF-style: chr15-65370201-C-A.
Other names: short protein forms R350S.
Identifiers: ClinVar variation 1440934 (VCV001440934.8), dbSNP rs779744493, ClinGen allele CA7614055.

ClinVar aggregate classification (germline): Uncertain significance (1 of 4 stars; one submission).

Conditions:
Nemaline myopathy 6 (NEM6). Also called: Nemaline myopathy 6, autosomal dominant. Identifiers: Orphanet 171439, MedGen C1836472, MONDO:0012237, OMIM 609273.

Allele frequency attached by ClinVar (database versions not stated): ExAC 0.00001; gnomAD 0.00001.

Submission:

Labcorp Genetics (formerly Invitae), Labcorp
Classification: Uncertain significance for Nemaline myopathy 6. Last evaluated: 2021-07-04. Review status: criteria provided, single submitter. Criteria: Invitae Variant Classification Sherloc (09022015). Collection method: clinical testing. Allele origin: germline.
Comment: This sequence change replaces arginine with serine at codon 350 of the KBTBD13 protein (p.Arg350Ser). The arginine residue is moderately conserved and there is a moderate physicochemical difference between arginine and serine. This variant is present in population databases (rs779744493, ExAC 0.002%). This variant has not been reported in the literature in individuals with KBTBD13-related conditions. Algorithms developed to predict the effect of missense changes on protein structure and function are either unavailable or do not agree on the potential impact of this missense change (SIFT: "Tolerated"; PolyPhen-2: "Probably Damaging"; Align-GVGD: "Class C0"). In summary, the available evidence is currently insufficient to determine the role of this variant in disease. Therefore, it has been classified as a Variant of Uncertain Significance.